The following is an entry in ClinVar:

NM_001130698.2(TRPC3):c.191C>T (p.Pro64Leu)

Gene: TRPC3 (transient receptor potential cation channel subfamily C member 3; minus strand). Cytogenetic location: 4q27.
Variant type: single nucleotide variant.
Coding change: c.191C>T on transcript NM_001130698.2 (MANE Select); coding-DNA position 191, C replaced by T.
Protein change: p.Pro64Leu; replaces proline 64 with leucine.
Molecular consequence: missense variant.
Genome position (GRCh38, 1-based): chr4:121,951,490, G>A on the plus strand (C>T on the coding strand, the complement: TRPC3 is on the minus strand). VCF-style: chr4-121951490-G-A. GRCh37 (hg19) VCF-style: chr4-122872645-G-A.
Other names: c.191C>T, p.Pro64Leu (NM_001366479.2); short protein forms P64L.
Identifiers: ClinVar variation 1935616 (VCV001935616.5), dbSNP rs1730750408, ClinGen allele CA358052925.

ClinVar aggregate classification (germline): Uncertain significance (1 of 4 stars; one submission).

Allele frequency attached by ClinVar (database versions not stated): gnomAD exomes below 0.00001; gnomAD 0.00001.
gnomAD v4.1: 2 of 1,330,246 alleles (0.00015%); highest among the groups gnomAD compares: Admixed American, 0.0042%; no homozygotes.

Submission:

Labcorp Genetics (formerly Invitae), Labcorp
Classification: Uncertain significance. Last evaluated: 2024-12-02. Review status: criteria provided, single submitter. Criteria: Invitae Variant Classification Sherloc (09022015). Collection method: clinical testing. Allele origin: germline.
Comment: This sequence change replaces proline, which is neutral and non-polar, with leucine, which is neutral and non-polar, at codon 64 of the TRPC3 protein (p.Pro64Leu). This variant is not present in population databases (gnomAD no frequency). This variant has not been reported in the literature in individuals affected with TRPC3-related conditions. ClinVar contains an entry for this variant (Variation ID: 1935616). An algorithm developed to predict the effect of missense changes on protein structure and function (PolyPhen-2) suggests that this variant is likely to be tolerated. In summary, the available evidence is currently insufficient to determine the role of this variant in disease. Therefore, it has been classified as a Variant of Uncertain Significance.